The following is an entry in ClinVar:

NM_000094.4(COL7A1):c.682+5G>A

Gene: COL7A1 (collagen type VII alpha 1 chain; minus strand). Cytogenetic location: 3p21.31.
Variant type: single nucleotide variant.
Coding change: c.682+5G>A on transcript NM_000094.4 (MANE Select); 5 bases into the intron after coding-DNA position 682, G replaced by A.
Molecular consequence: intron variant.
Genome position (GRCh38, 1-based): chr3:48,593,097, C>T on the plus strand (G>A on the coding strand, the complement: COL7A1 is on the minus strand). VCF-style: chr3-48593097-C-T. GRCh37 (hg19) VCF-style: chr3-48630530-C-T.
Identifiers: ClinVar variation 1065113 (VCV001065113.5), dbSNP rs767647070, ClinGen allele CA2381486.

ClinVar aggregate classification (germline): Conflicting classifications of pathogenicity. Review status: criteria provided, conflicting classifications (1 of 4 stars). 2 submissions from 2 submitters: Likely pathogenic (1); Uncertain significance (1).

Conditions:
Recessive dystrophic epidermolysis bullosa (RDEB). Also called: severe generalized recessive dystrophic epidermolysis bullosa; EPIDERMOLYSIS BULLOSA DYSTROPHICA, GENERALIZED SEVERE, AUTOSOMAL RECESSIVE; DYSTROPHIC EPIDERMOLYSIS BULLOSA, AUTOSOMAL RECESSIVE; EPIDERMOLYSIS BULLOSA DYSTROPHICA, HALLOPEAU-SIEMENS TYPE; Epidermolysis Bullosa Distrophica Autosomal Recessive (RDEB); epidermolysis bullosa dystrophica, autosomal recessive. Identifiers: Orphanet 79408, Orphanet 79409, MedGen C0079474, MONDO:0009179, OMIM 226600.

Allele frequency attached by ClinVar (database versions not stated): ExAC 0.00001; gnomAD exomes below 0.00001.
gnomAD v4.1: 1 of 1,614,112 alleles (0.000062%); highest among the groups gnomAD compares: Non-Finnish European, 0.000085%; no homozygotes.

Submissions (2):

Department of Medical Genetics, Sanjay Gandhi Post Graduate Institute of Medical Sciences
Classification: Likely pathogenic for Recessive dystrophic epidermolysis bullosa. Review status: criteria provided, single submitter. Criteria: ACMG Guidelines, 2015. Collection method: clinical testing. Allele origin: germline. Inheritance: Autosomal recessive inheritance. Affected: yes. Observed: 1 variant allele, 1 compound heterozygote.

Neuberg Centre For Genomic Medicine, NCGM
Classification: Uncertain significance for Recessive dystrophic epidermolysis bullosa. Review status: criteria provided, single submitter. Criteria: ACMG Guidelines, 2015. Collection method: clinical testing. Allele origin: germline. Affected: yes.
Comment: The splice region variant c.682+5G>A in COL7A1 (NM_000094.4) has not been reported previously as a pathogenic variant nor as a benign variant, to our knowledge. The c.682+5G>A variant is observed in 1/1,13,698 (0.0009%) alleles from individuals of European (Non-Finnish) background in gnomAD Exomes and is novel (not in any individuals) in 1000 Genomes. The c.682+5G>A variant is predicted to disrupt splicing by all splice site algorithms. The nucleotide c.682+5G>A in COL7A1 is predicted conserved by GERP++ and PhyloP across 100 vertebrates. For these reasons, this variant has been classified as Uncertain Significance.